The following is an entry in ClinVar:

ClinVar aggregate classification (germline): Conflicting classifications of pathogenicity. Review status: criteria provided, conflicting classifications (1 of 4 stars). 9 submissions from 9 submitters: Pathogenic (2); Likely pathogenic (4); Uncertain significance (2). 1 of the submissions does not count toward it. Last evaluated 2026-06-29.

Conditions:
LZTR1-related disorder. Also called: LZTR1-related disorders; LZTR1-related condition.
Hereditary cancer-predisposing syndrome. Also called: Neoplastic Syndromes, Hereditary; Hereditary Cancer Syndrome; Tumor predisposition; Hereditary neoplastic syndrome. Identifiers: Orphanet 140162, MedGen C0027672, MeSH D009386, MONDO:0015356.
Cardiovascular phenotype. Identifiers: MedGen CN230736.
Noonan syndrome 10 (NS10). Identifiers: Orphanet 648, MedGen C4225280, MONDO:0014693, OMIM 616564.
RASopathy. Also called: Noonan spectrum disorder; rasopathies. Identifiers: Orphanet 536391, MedGen C5555857, MONDO:0021060.
Noonan syndrome 1 (NS1). Also called: PTPN11-Related Noonan Syndrome; FEMALE PSEUDO-TURNER SYNDROME; TURNER PHENOTYPE WITH NORMAL KARYOTYPE. Identifiers: Orphanet 648, MedGen C4551602, MONDO:0008104, OMIM 163950. Disease mechanism: gain of function.

Allele frequency attached by ClinVar (database versions not stated): gnomAD exomes below 0.00001; ExAC 0.00003.
gnomAD v4.1: 5 of 1,603,628 alleles (0.00031%); highest among the groups gnomAD compares: East Asian, 0.0045%; no homozygotes.

Submissions (9):

PreventionGenetics, part of Exact Sciences
Classification: Likely pathogenic for LZTR1-related condition. Last evaluated: 2026-06-29. Review status: criteria provided, single submitter. Criteria: ACMG Guidelines, 2015. Collection method: clinical testing. Allele origin: germline.
Comment: The LZTR1 c.851G>A variant is predicted to result in the amino acid substitution p.Arg284His. This variant has been reported in a fetus with a congenital heart defect (Lin et al. 2024. PubMed ID: 38178226). An alternate missense change at the same amino acid position (p.Arg284Cys) has been reported as causative for autosomal dominant Noonan syndrome (Yamamoto et al. 2015. PubMed ID: 25795793; Jacquinet et al. 2019. PubMed ID: 30664951) and was reported as a de novo variant in an individual with schwannomatosis (Paganini et al. 2015. PubMed ID: 25335493). The p.Arg284Cys variant has also been reported as a de novo variant in individuals with autism spectrum disorder (Table S1, Takata et al. 2018. PubMed ID: 29346770; Table S20, Fu et al. 2022. PubMed ID: 35982160; Table S1, Zhou et al. 2022. PubMed ID: 35982159). A functional study indicates that the p.Arg284Cys variant has a dominant negative effect on the LZTR1 function of negatively regulating RAS-MAPK signaling (Motta et al. 2018. PubMed ID: 30481304). This variant, c.851G>A (p.Arg284His), is reported in 0.0030% of alleles in individuals of Latino descent in gnomAD. This variant is interpreted as likely pathogenic.

Labcorp Genetics (formerly Invitae), Labcorp
Classification: Likely pathogenic. Last evaluated: 2025-10-02. Review status: criteria provided, single submitter. Criteria: Invitae Variant Classification Sherloc (09022015). Collection method: clinical testing. Allele origin: germline.
Comment: This sequence change replaces arginine, which is basic and polar, with histidine, which is basic and polar, at codon 284 of the LZTR1 protein (p.Arg284His). The frequency data for this variant in the population databases is considered unreliable, as metrics indicate poor data quality at this position in the gnomAD database. This missense change has been observed in individuals with clinical features of Noonan syndrome (internal data). ClinVar contains an entry for this variant (Variation ID: 956230). Invitae Evidence Modeling of protein sequence and biophysical properties (such as structural, functional, and spatial information, amino acid conservation, physicochemical variation, residue mobility, and thermodynamic stability) indicates that this missense variant is not expected to disrupt LZTR1 protein function with a negative predictive value of 80%. This variant disrupts the p.Arg284 amino acid residue in LZTR1. Other variant(s) that disrupt this residue have been determined to be pathogenic (PMID: 25335493, 25795793, 29346770, 30481304, 33792302). This suggests that this residue is clinically significant, and that variants that disrupt this residue are likely to be disease-causing. In summary, the currently available evidence indicates that the variant is pathogenic, but additional data are needed to prove that conclusively. Therefore, this variant has been classified as Likely Pathogenic.

Victorian Clinical Genetics Services, Murdoch Childrens Research Institute
Classification: Uncertain significance for Noonan syndrome 10. Last evaluated: 2025-03-18. Review status: criteria provided, single submitter. Criteria: ACMG Guidelines, 2015. Collection method: clinical testing. Allele origin: germline. Affected: yes.
Comment: This variant is classified as VUS-3A. Evidence in support of pathogenic classification: Variant is present in gnomAD <0.01 (v4: 5 heterozygote(s), 0 homozygote(s)); Another missense variant(s) comparable to the one identified in this case has moderate previous evidence for pathogenicity. p.(Arg284Cys) has been reported as pathogenic or likely pathogenic by multiple clinical laboratories in ClinVar. Additionally, p.(Arg284Gly) has been classified as a VUS by a clinical laboratory in ClinVar; Missense variant predicted to be damaging by in silico tool(s) or highly conserved with a major amino acid change; Additional information: Variant is predicted to result in a missense amino acid change from arginine to histidine; This variant is heterozygous; This gene is associated with both recessive and dominant disease. - Alternative amino acid change(s) at the same position are present in gnomAD (Highest allele count: v4: 11 heterozygote(s), 0 homozygote(s)); Previous reports of pathogenicity for this variant are conflicting. This variant has been classified as VUS, likely pathogenic and pathogenic by clinical laboratories in ClinVar. It has been identified by clinical laboratories in individuals with Noonan-syndrome related features and in unaffected individuals referred for unrelated testing (Invitae laboratory and Ambry genetics personal correspondence). It has also been reported in the literature in a fetus with congenital heart defects and classified as likely pathogenic. This variant was also identified in the healthy father of this fetus (PMID: 38178226); Segregation evidence for this variant is inconclusive. In a fetus with congenital heart defects this variant was inherited from a reportedly unaffected parent (PMID: 38178226). - No published functional evidence has been identified for this variant; Variant is located in the annotated KLHDC2/KLHL20/DRC7 Kelch-repeats domain (DECIPHER); Loss of function is a known mechanism of disease in this gene and is associated with autosomal recessive Noonan syndrome 2 (MIM#605275). Dominant negative is the mechanism suspected for autosomal dominant Noonan syndrome 10 (MIM#616564).

Ambry Genetics
Classification: Pathogenic for Cardiovascular phenotype; Hereditary cancer-predisposing syndrome. Last evaluated: 2025-02-26. Review status: criteria provided, single submitter. Criteria: Ambry Variant Classification Scheme 2023. Collection method: clinical testing. Allele origin: germline.
Comment: The p.R284H pathogenic mutation (also known as c.851G>A), located in coding exon 9 of the LZTR1 gene, results from a G to A substitution at nucleotide position 851. The arginine at codon 284 is replaced by histidine, an amino acid with highly similar properties. This variant was reported in individual(s) with features consistent with Noonan syndrome; in at least one individual, it was determined to be de novo (Lin S et al. Mol Cytogenet, 2024 Jan;17:2; external communication). This amino acid position is highly conserved in available vertebrate species. In addition, this alteration is predicted to be deleterious by in silico analysis. Based on the supporting evidence, this variant is pathogenic for autosomal dominant Noonan syndrome; however, the association of this alteration with an increased risk of LZTR1-related schwannomatosis (SWN) is unknown.

GeneDx
Classification: Pathogenic. Last evaluated: 2025-01-17. Review status: criteria provided, single submitter. Criteria: GeneDx Variant Classification Process June 2021. Collection method: clinical testing. Allele origin: germline. Affected: yes.
Comment: Identified in a fetus with a congenital heart defect in published literature (PMID: 38178226); Not observed at significant frequency in large population cohorts (gnomAD); In silico analysis supports that this missense variant has a deleterious effect on protein structure/function; This variant is associated with the following publications: (PMID: 30664951, 38178226)

Women's Health and Genetics/Laboratory Corporation of America, LabCorp
Classification: Likely pathogenic for RASopathy. Last evaluated: 2024-12-13. Review status: criteria provided, single submitter. Criteria: LabCorp Variant Classification Summary - May 2015. Collection method: clinical testing. Allele origin: germline.
Comment: Variant summary: LZTR1 c.851G>A (p.Arg284His) results in a non-conservative amino acid change in the encoded protein sequence. Five of five in-silico tools predict a damaging effect of the variant on protein function. A different pathogenic amino acid change at the same codon, p.Arg284Cys has been observed in affected individuals supporting a critical relevance of this residue to LZTR1 protein function (PMID 30664951). The variant allele was found at a frequency of 3.1e-06 in 1603628 control chromosomes. c.851G>A has been reported in the literature in individuals affected with features of Noonan Syndrome (Lin_2024) and also via internal testing at our partner laboratory. These data indicate that the variant is likely to be associated with disease. To our knowledge, no experimental evidence demonstrating an impact on protein function has been reported. The following publications have been ascertained in the context of this evaluation (PMID: 38178226). ClinVar contains an entry for this variant (Variation ID: 956230). To our knowledge, this variant has not been reported in individuals with AR Noonan Syndrome or AD Schwannomatosis. Based on the evidence outlined above, this variant is likely pathogenic for AD Noonan Syndrome.

Blueprint Genetics
Classification: Likely pathogenic for LZTR1-related disorders. Last evaluated: 2023-10-26. Review status: criteria provided, single submitter. Criteria: ACMG Guidelines, 2015. Collection method: clinical testing. Allele origin: germline. Affected: yes. Observed: 1 variant allele.

Centre for Human Genetics
Classification: Uncertain significance for Noonan syndrome 1. Review status: criteria provided, single submitter. Criteria: ACMG Guidelines, 2015. Collection method: clinical testing. Allele origin: de novo. Inheritance: Autosomal dominant inheritance. Affected: yes. Observed: 1 variant allele.
Comment: The c.851G>A variant (p.R284H) found in coding exon 9 of the LZTR1 gene, substitutes arginine with histidine at codon 284. This position is highly conserved among vertebrates. In silico predictions suggest that this change could be harmful. However, due to lack of experimental evidence demonstrating its impact on protein function, the clinical significance of this variant is currently uncertain.

Molecular Genetics, Centre for Human Genetics
Classification: Uncertain significance for Noonan syndrome 1. Review status: no assertion criteria provided. Collection method: clinical testing. Allele origin: de novo. Inheritance: Autosomal dominant inheritance. Affected: yes. Observed: 1 variant allele. Not counted in ClinVar's aggregate classification.

Literature cited by the submitters: PubMed 25335493 (cited by Labcorp Genetics (formerly Invitae), Labcorp); PubMed 25795793 (cited by Labcorp Genetics (formerly Invitae), Labcorp); PubMed 29346770 (cited by Labcorp Genetics (formerly Invitae), Labcorp); PubMed 30481304 (cited by Labcorp Genetics (formerly Invitae), Labcorp); PubMed 33792302 (cited by Labcorp Genetics (formerly Invitae), Labcorp and Women's Health and Genetics/Laboratory Corporation of America, LabCorp); PubMed 38178226 (cited by 3 submitters); PubMed 30664951 (cited by Women's Health and Genetics/Laboratory Corporation of America, LabCorp).

NM_006767.4(LZTR1):c.851G>A (p.Arg284His)

Gene: LZTR1 (leucine zipper like post translational regulator 1; plus strand). Cytogenetic location: 22q11.21.
Variant type: single nucleotide variant.
Coding change: c.851G>A on transcript NM_006767.4 (MANE Select); coding-DNA position 851, G replaced by A.
Protein change: p.Arg284His; replaces arginine 284 with histidine.
Molecular consequence: missense variant.
Genome position (GRCh38, 1-based): chr22:20,991,687, G>A. VCF-style: chr22-20991687-G-A. GRCh37 (hg19) VCF-style: chr22-21345976-G-A.
Other names: short protein forms R284H.
Identifiers: ClinVar variation 956230 (VCV000956230.21), dbSNP rs768361273, ClinGen allele CA10118651.